The following is an entry in ClinVar:

ClinVar aggregate classification (germline): Likely benign (1 of 4 stars; one submission).

Conditions:
PLXNA1-related disorder. Also called: PLXNA1-related condition.

Submission:

PreventionGenetics, part of Exact Sciences
Classification: Likely benign for PLXNA1-related condition. Last evaluated: 2026-08-04. Review status: criteria provided, single submitter. Criteria: ACMG Guidelines, 2015. Collection method: clinical testing. Allele origin: germline.
Comment: This variant is classified as likely benign based on ACMG/AMP sequence variant interpretation guidelines (Richards et al. 2015 PMID: 25741868, with internal and published modifications).

NM_032242.4(PLXNA1):c.4722C>T (p.Thr1574=)

Gene: PLXNA1 (plexin A1; plus strand). Cytogenetic location: 3q21.3.
Variant type: single nucleotide variant.
Coding change: c.4722C>T on transcript NM_032242.4 (MANE Select); coding-DNA position 4722, C replaced by T.
Protein change: p.Thr1574=; no amino-acid change (threonine 1574 retained).
Molecular consequence: synonymous variant.
Genome position (GRCh38, 1-based): chr3:127,029,045, C>T. VCF-style: chr3-127029045-C-T. GRCh37 (hg19) VCF-style: chr3-126747888-C-T.
Identifiers: ClinVar variation 4990086 (VCV004990086.1).